The following is an entry in ClinVar:

ClinVar aggregate classification (germline): Pathogenic (1 of 4 stars; one submission).

Conditions:
Cohen syndrome (COH1). Also called: Cutis verticis gyrata, retinitis pigmentosa, and sensorineural deafness; PEPPER SYNDROME. Identifiers: Orphanet 193, MedGen C0265223, MONDO:0008999, OMIM 216550.

Submission:

Labcorp Genetics (formerly Invitae), Labcorp
Classification: Pathogenic for Cohen syndrome. Last evaluated: 2019-11-02. Review status: criteria provided, single submitter. Criteria: Invitae Variant Classification Sherloc (09022015). Collection method: clinical testing. Allele origin: germline.
Comment: This variant is an out-of-frame deletion of the genomic region encompassing exons 24-30 of the VPS13B gene. This is expected to create a premature translational stop signal and result in an absent or disrupted protein product. This variant has been observed in individual(s) with clinical features of Cohen syndrome (PMID: 28631888). Loss-of-function variants in VPS13B are known to be pathogenic (PMID: 15141358, 16648375, 20461111). For these reasons, this variant has been classified as Pathogenic.

Literature cited by the submitters: PubMed 28631888.

NC_000008.11:g.(?_99467404)_(99521020_?)del

Gene: VPS13B (vacuolar protein sorting 13 homolog B; plus strand). Cytogenetic location: 8q22.2.
Variant type: Deletion.
Identifiers: ClinVar variation 832188 (VCV000832188.1).